The following is an entry in ClinVar:

NM_000202.8(IDS):c.419G>T (p.Gly140Val)

Genes: IDS (iduronate 2-sulfatase; minus strand), LOC106050102 (IDS recombination region; plus strand). Cytogenetic location: Xq28.
Variant type: single nucleotide variant.
Coding change: c.419G>T on transcript NM_000202.8 (MANE Select); coding-DNA position 419, G replaced by T.
Protein change: p.Gly140Val; replaces glycine 140 with valine.
Molecular consequence: missense variant. On other transcripts: non-coding transcript variant (1).
Genome position (GRCh38, 1-based): chrX:149,501,037, C>A on the plus strand (G>T on the coding strand, the complement: IDS is on the minus strand). VCF-style: chrX-149501037-C-A. GRCh37 (hg19) VCF-style: chrX-148582568-C-A.
Other names: c.149G>T, p.Gly50Val (NM_001166550.4); c.419G>T, p.Gly140Val (NM_006123.5); short protein forms G140V, G50V.
Identifiers: ClinVar variation 3255716 (VCV003255716.2).

ClinVar aggregate classification (germline): Pathogenic (1 of 4 stars; one submission).

Conditions:
Mucopolysaccharidosis, MPS-II (MPS2). Also called: Hunter Syndrome; IDURONATE 2-SULFATASE DEFICIENCY; Mucopolysaccharidosis Type II; Mucopolysaccharidosis type 2; Attenuated MPS (subtype; formerly known as mild MPS II); Severe MPS II. Identifiers: Orphanet 580, Orphanet 79388, MedGen C0026705, MONDO:0010674, OMIM 309900.

Submission:

Laboratory of Diagnosis and Therapy of Lysosomal Disorders, University of Padova
Classification: Pathogenic for Mucopolysaccharidosis, MPS-II. Last evaluated: 2024-06-07. Review status: criteria provided, single submitter. Criteria: ACMG Guidelines, 2015. Collection method: literature only. Allele origin: germline. Affected: yes. Observed: 2 variant alleles.
Comment: In vitro or in vivo functional studies supportive of a damaging effect (PS3_Strong), Absent from controls (or at low frequency) in gnomAD database (PM2_Moderate), Missense variant in a gene with a low rate of benign missense variation (PP2_Supporting), Multiple lines of computational evidence support a deleterious effect (PP3_Supporting), Patient’s phenotype or family history highly specific for the disease (PP4_Strong)

Classification method: ACMG Guidelines [PMID:25741868] with modifications

Literature cited by the submitters: PubMed 16699754; PubMed 32775211.